The following is an entry in ClinVar:

ClinVar aggregate classification (germline): Uncertain significance. Review status: criteria provided, multiple submitters, no conflicts (2 of 4 stars). 2 submissions from 2 submitters: Uncertain significance (2). Last evaluated 2025-06-12.

Conditions:
Hereditary cancer-predisposing syndrome. Also called: Neoplastic Syndromes, Hereditary; Tumor predisposition; Hereditary Cancer Syndrome; Hereditary neoplastic syndrome. Identifiers: Orphanet 140162, MedGen C0027672, MeSH D009386, MONDO:0015356.

Submissions (2):

Color Diagnostics, LLC DBA Color Health
Classification: Uncertain significance for Hereditary cancer-predisposing syndrome. Last evaluated: 2025-06-12. Review status: criteria provided, single submitter. Criteria: ACMG Guidelines, 2015. Collection method: clinical testing. Allele origin: germline.
Comment: This missense variant replaces lysine with glutamic acid at codon 2602 of the APC protein. Computational prediction suggests that this variant may not impact protein structure and function. To our knowledge, functional studies have not been reported for this variant. This variant has not been reported in individuals affected with APC-related disorders in the literature. This variant has not been identified in the general population by the Genome Aggregation Database (gnomAD). The available evidence is insufficient to determine the role of this variant in disease conclusively. Therefore, this variant is classified as a Variant of Uncertain Significance.

Ambry Genetics
Classification: Uncertain significance for Hereditary cancer-predisposing syndrome. Last evaluated: 2024-09-26. Review status: criteria provided, single submitter. Criteria: Ambry Variant Classification Scheme 2023. Collection method: clinical testing. Allele origin: germline.
Comment: The p.K2602E variant (also known as c.7804A>G), located in coding exon 15 of the APC gene, results from an A to G substitution at nucleotide position 7804. The lysine at codon 2602 is replaced by glutamic acid, an amino acid with similar properties. This amino acid position is well conserved in available vertebrate species. In addition, in silico predictors for this gene do not accurately predict pathogenicity. Missense alterations in APC are not a common cause of disease (Spier I et al. Genet Med. 2024 Feb;26(2):100992). Based on the available evidence, the clinical significance of this variant remains unclear.

NM_000038.6(APC):c.7804A>G (p.Lys2602Glu)

Gene: APC (APC regulator of Wnt signaling pathway; plus strand). Cytogenetic location: 5q22.2.
Variant type: single nucleotide variant.
Coding change: c.7804A>G on transcript NM_000038.6 (MANE Select); coding-DNA position 7804, A replaced by G.
Protein change: p.Lys2602Glu; replaces lysine 2602 with glutamic acid.
Molecular consequence: missense variant. On other transcripts: non-coding transcript variant (2).
Genome position (GRCh38, 1-based): chr5:112,843,398, A>G. VCF-style: chr5-112843398-A-G. GRCh37 (hg19) VCF-style: chr5-112179095-A-G.
Other names: c.7804A>G, p.Lys2602Glu (NM_001127510.3, NM_001354895.2, NM_001407450.1); c.7750A>G, p.Lys2584Glu (NM_001127511.3); c.7858A>G, p.Lys2620Glu (NM_001354896.2, NM_001407447.1, NM_001407448.1 and 1 more transcripts); c.7834A>G, p.Lys2612Glu (NM_001354897.2); c.7729A>G, p.Lys2577Glu (NM_001354898.2); c.7720A>G, p.Lys2574Glu (NM_001354899.2); c.7681A>G, p.Lys2561Glu (NM_001354900.2); c.7627A>G, p.Lys2543Glu (NM_001354901.2, NM_001407453.1); and 11 more; short protein forms K2501E, K2561E, K2602E, K2630E, K2218E, K2442E, K2473E, K2476E.
Identifiers: ClinVar variation 3405852 (VCV003405852.2).